The following is an entry in ClinVar:

NM_018026.4(PACS1):c.872G>T (p.Gly291Val)

Gene: PACS1 (phosphofurin acidic cluster sorting protein 1; plus strand). Cytogenetic location: 11q13.2.
Variant type: single nucleotide variant.
Coding change: c.872G>T on transcript NM_018026.4 (MANE Select); coding-DNA position 872, G replaced by T.
Protein change: p.Gly291Val; replaces glycine 291 with valine.
Molecular consequence: missense variant.
Genome position (GRCh38, 1-based): chr11:66,216,586, G>T. VCF-style: chr11-66216586-G-T. GRCh37 (hg19) VCF-style: chr11-65984057-G-T.
Other names: short protein forms G291V.
Identifiers: ClinVar variation 1710544 (VCV001710544.5), dbSNP rs1417674033, ClinGen allele CA381350096.

ClinVar aggregate classification (germline): Uncertain significance (1 of 4 stars; one submission).

Allele frequency attached by ClinVar (database versions not stated): gnomAD exomes below 0.00001.
gnomAD v4.1: 3 of 1,614,076 alleles (0.00019%); highest among the groups gnomAD compares: Middle Eastern, 0.017%; no homozygotes.

Submission:

GeneDx
Classification: Uncertain significance. Last evaluated: 2025-09-08. Review status: criteria provided, single submitter. Criteria: GeneDx Variant Classification Process June 2021. Collection method: clinical testing. Allele origin: germline. Affected: yes.
Comment: Not observed at significant frequency in large population cohorts (gnomAD); In silico analysis supports that this missense variant has a deleterious effect on protein structure/function; In silico analysis suggests this variant may impact gene splicing. In the absence of RNA/functional studies, the actual effect of this sequence change is unknown.; Has not been previously published as pathogenic or benign to our knowledge